The following is an entry in ClinVar:

ClinVar aggregate classification (germline): Uncertain significance (1 of 4 stars; one submission).

gnomAD v4.1: 2 of 1,612,772 alleles (0.00012%); highest among the groups gnomAD compares: Non-Finnish European, 0.000085%; no homozygotes.

Submission:

Women's Health and Genetics/Laboratory Corporation of America, LabCorp
Classification: Uncertain significance. Last evaluated: 2024-11-06. Review status: criteria provided, single submitter. Criteria: LabCorp Variant Classification Summary - May 2015. Collection method: clinical testing. Allele origin: germline.
Comment: Variant summary: CHST6 c.202T>C (p.Tyr68His) results in a conservative amino acid change located in the P-loop containing nucleoside triphosphate hydrolases (IPR027417) of the encoded protein sequence. Four of five in-silico tools predict a damaging effect of the variant on protein function. The variant allele was found at a frequency of 8e-06 in 248754 control chromosomes (gnomAD). The available data on variant occurrences in the general population are insufficient to allow any conclusion about variant significance. c.202T>C has been reported in the literature in at least an individual affected with macular corneal dystrophy (example: Niel_2003). This report however does not provide unequivocal conclusions about association of the variant with Macular Corneal Dystrophy. To our knowledge, no experimental evidence demonstrating an impact on protein function has been reported. The following publication has been ascertained in the context of this evaluation (PMID: 12824236). No submitters have cited clinical-significance assessments for this variant to ClinVar. Based on the evidence outlined above, the variant was classified as uncertain significance.

Literature cited by the submitters: PubMed 12824236.

NM_021615.5(CHST6):c.202T>C (p.Tyr68His)

Gene: CHST6 (carbohydrate sulfotransferase 6; minus strand). Cytogenetic location: 16q23.1.
Variant type: single nucleotide variant.
Coding change: c.202T>C on transcript NM_021615.5 (MANE Select); coding-DNA position 202, T replaced by C.
Protein change: p.Tyr68His; replaces tyrosine 68 with histidine.
Molecular consequence: missense variant.
Genome position (GRCh38, 1-based): chr16:75,479,627, A>G on the plus strand (T>C on the coding strand, the complement: CHST6 is on the minus strand). VCF-style: chr16-75479627-A-G. GRCh37 (hg19) VCF-style: chr16-75513525-A-G.
Other names: short protein forms Y68H.
Identifiers: ClinVar variation 3629784 (VCV003629784.1).